The following is an entry in ClinVar:

NM_001394062.1(MACF1):c.13758G>A (p.Pro4586=)

Gene: MACF1 (microtubule actin crosslinking factor 1; plus strand). Cytogenetic location: 1p34.3.
Variant type: single nucleotide variant.
Coding change: c.13758G>A on transcript NM_001394062.1 (MANE Select); coding-DNA position 13758, G replaced by A.
Protein change: p.Pro4586=; no amino-acid change (proline 4586 retained).
Molecular consequence: synonymous variant.
Genome position (GRCh38, 1-based): chr1:39,382,062, G>A. VCF-style: chr1-39382062-G-A. GRCh37 (hg19) VCF-style: chr1-39847734-G-A.
Other names: c.7572G>A, p.Pro2524= (NM_012090.5).
Identifiers: ClinVar variation 4624117 (VCV004624117.3).
Genomic context (GRCh38, chr1:39,382,062, plus strand): 5'-GCTAGAGGAATCTGCAAGTCATCTGGCCTGCTTCCAGGCTGCAGAATCCCAGCTCCGGCC[G>A]TGGCTGATGGAGAAAGAACTGATGATGGGAGTGCTGGGGCCCCTGTCTATTGACCCCAAC-3'
Protein context (NP_001380991.1, residues 4576-4596): CFQAAESQLR[Pro4586=]WLMEKELMMG

ClinVar aggregate classification (germline): Likely benign. Review status: criteria provided, multiple submitters, no conflicts (2 of 4 stars). 3 submissions from 3 submitters: Likely benign (3). Last evaluated 2025-11-19.

Conditions:
Inborn genetic diseases. Identifiers: MedGen C0950123, MeSH D030342.
MACF1-related disorder. Also called: MACF1-related condition.

gnomAD v4.1: 76 of 1,614,036 alleles (0.0047%); highest among the groups gnomAD compares: Middle Eastern, 0.033%; no homozygotes.

Submissions (3):

Ambry Genetics
Classification: Likely benign for Inborn genetic diseases. Last evaluated: 2025-11-19. Review status: criteria provided, single submitter. Criteria: Ambry Variant Classification Scheme 2023. Collection method: clinical testing. Allele origin: germline.

PreventionGenetics, part of Exact Sciences
Classification: Likely benign for MACF1-related condition. Last evaluated: 2025-05-15. Review status: criteria provided, single submitter. Criteria: ACMG Guidelines, 2015. Collection method: clinical testing. Allele origin: germline.
Comment: This variant is classified as likely benign based on ACMG/AMP sequence variant interpretation guidelines (Richards et al. 2015 PMID: 25741868, with internal and published modifications).

Blueprint Genetics
Classification: Likely benign. Last evaluated: 2023-11-16. Review status: criteria provided, single submitter. Criteria: ACMG Guidelines, 2015. Collection method: clinical testing. Allele origin: germline.